The following is an entry in ClinVar:

NM_001009999.3(KDM1A):c.46_54dup (p.Ala18_Thr19insAlaAlaAla)

Gene: KDM1A (lysine demethylase 1A; plus strand). Cytogenetic location: 1p36.12.
Variant type: Duplication.
Coding change: c.46_54dup on transcript NM_001009999.3 (MANE Select); coding-DNA positions 46 to 54, 9 bases duplicated (GCGGCAGCA; older notation c.46_54dupGCGGCAGCA).
Protein change: p.Ala18_Thr19insAlaAlaAla.
Molecular consequence: inframe insertion.
Genome position (GRCh38, 1-based): chr1:23,019,642-23,019,650, GCGGCAGCA duplicated; duplicating any 9 consecutive bases within chr1:23,019,639-23,019,650 gives the same sequence; the c. name uses the placement nearest the transcript's 3' end. VCF-style (leftmost placement, unchanged base first): chr1-23019638-T-TGCAGCGGCA. GRCh37 (hg19) VCF-style: chr1-23346131-T-TGCAGCGGCA.
Other names: c.46_54dup, p.Ala18_Thr19insAlaAlaAla (NM_001363654.2, NM_001410762.1, NM_001410763.1 and 1 more transcripts).
Identifiers: ClinVar variation 5006250 (VCV005006250.2).
Genomic context (GRCh38, chr1:23,019,638, plus strand): 5'-GGCGGCCCGGCGGCCCGAGATGTTATCTGGGAAGAAGGCGGCAGCCGCGGCGGCGGCGGC[T>TGCAGCGGCA]GCAGCGGCAGCAACCGGGACGGAGGCTGGCCCTGGGACAGCAGGCGGCTCCGAGAACGGG-3'

ClinVar aggregate classification (germline): Uncertain significance (1 of 4 stars; one submission).

Conditions:
ACTH-independent macronodular adrenal hyperplasia 3. Also called: CUSHING SYNDROME, FOOD-DEPENDENT. Identifiers: MedGen C5975485, MONDO:0700299, OMIM 620990.
Palatal anomalies-widely spaced teeth-facial dysmorphism-developmental delay syndrome. Also called: Cleft palate, psychomotor retardation, and distinctive facial features. Identifiers: Orphanet 477993, MedGen C4225229, MONDO:0014751, OMIM 616728.

Submission:

Juno Genomics, Hangzhou Juno Genomics, Inc
Classification: Uncertain significance for ACTH-independent macronodular adrenal hyperplasia 3; Palatal anomalies-widely spaced teeth-facial dysmorphism-developmental delay syndrome. Review status: criteria provided, single submitter. Criteria: ACMG Guidelines, 2015. Collection method: clinical testing. Allele origin: germline.
Comment: Absent from controls (or at extremely low frequency if recessive) in Genome Aggregation Database.;Protein length changes due to in-frame deletions/insertions in a non-repeat region or stop-loss variants.